The following is an entry in ClinVar:

NM_017780.4(CHD7):c.2024A>G (p.Lys675Arg)

Genes: CHD7 (chromodomain helicase DNA binding protein 7; plus strand), LOC126860403 (CDK7 strongly-dependent group 2 enhancer GRCh37_chr8:61693034-61694233; plus strand). Cytogenetic location: 8q12.2.
Variant type: single nucleotide variant.
Coding change: c.2024A>G on transcript NM_017780.4 (MANE Select); coding-DNA position 2024, A replaced by G.
Protein change: p.Lys675Arg; replaces lysine 675 with arginine.
Molecular consequence: missense variant. On other transcripts: intron variant (1).
Genome position (GRCh38, 1-based): chr8:60,781,358, A>G. VCF-style: chr8-60781358-A-G. GRCh37 (hg19) VCF-style: chr8-61693917-A-G.
Other names: c.1716+308A>G (NM_001316690.1); short protein forms K675R.
Identifiers: ClinVar variation 1804547 (VCV001804547.1), dbSNP rs763438086, ClinGen allele CA4759597.

ClinVar aggregate classification (germline): Uncertain significance (1 of 4 stars; one submission).

Allele frequency attached by ClinVar (database versions not stated): gnomAD exomes below 0.00001.
gnomAD v4.1: 7 of 1,553,662 alleles (0.00045%); highest among the groups gnomAD compares: Non-Finnish European, 0.00043%; no homozygotes.

Submission:

GeneDx
Classification: Uncertain significance. Last evaluated: 2022-06-17. Review status: criteria provided, single submitter. Criteria: GeneDx Variant Classification Process June 2021. Collection method: clinical testing. Allele origin: germline. Affected: yes.
Comment: Not observed at significant frequency in large population cohorts (gnomAD); In silico analysis supports that this missense variant does not alter protein structure/function; Has not been previously published as pathogenic or benign to our knowledge